The following is an entry in ClinVar:

ClinVar aggregate classification (germline): Uncertain significance. Review status: criteria provided, multiple submitters, no conflicts (2 of 4 stars). 2 submissions from 2 submitters: Uncertain significance (2). Last evaluated 2024-08-28.

Conditions:
Inborn genetic diseases. Identifiers: MedGen C0950123, MeSH D030342.

gnomAD v4.1: 5 of 1,611,118 alleles (0.00031%); highest among the groups gnomAD compares: African/African-American, 0.0053%; no homozygotes.

Submissions (2):

Ambry Genetics
Classification: Uncertain significance for Inborn genetic diseases. Last evaluated: 2024-08-28. Review status: criteria provided, single submitter. Criteria: Ambry Variant Classification Scheme 2023. Collection method: clinical testing. Allele origin: germline.

GeneDx
Classification: Uncertain significance. Last evaluated: 2024-06-24. Review status: criteria provided, single submitter. Criteria: GeneDx Variant Classification Process June 2021. Collection method: clinical testing. Allele origin: germline. Affected: yes.
Comment: In silico analysis indicates that this missense variant does not alter protein structure/function; Has not been previously published as pathogenic or benign to our knowledge

NM_000208.4(INSR):c.2855C>T (p.Ser952Leu)

Gene: INSR (insulin receptor; minus strand). Cytogenetic location: 19p13.2.
Variant type: single nucleotide variant.
Coding change: c.2855C>T on transcript NM_000208.4 (MANE Select); coding-DNA position 2855, C replaced by T.
Protein change: p.Ser952Leu; replaces serine 952 with leucine.
Molecular consequence: missense variant.
Genome position (GRCh38, 1-based): chr19:7,128,942, G>A on the plus strand (C>T on the coding strand, the complement: INSR is on the minus strand). VCF-style: chr19-7128942-G-A. GRCh37 (hg19) VCF-style: chr19-7128953-G-A.
Other names: c.2819C>T, p.Ser940Leu (NM_001079817.3); short protein forms S940L, S952L.
Identifiers: ClinVar variation 3392650 (VCV003392650.2).